The following is an entry in ClinVar:

ClinVar aggregate classification (germline): Uncertain significance. Review status: criteria provided, multiple submitters, no conflicts (2 of 4 stars). 3 submissions from 3 submitters: Uncertain significance (3). Last evaluated 2026-01-23.

Conditions:
Inborn genetic diseases. Identifiers: MedGen C0950123, MeSH D030342.

Allele frequency attached by ClinVar (database versions not stated): gnomAD 0.00001; gnomAD exomes 0.00002; ExAC 0.00003.
gnomAD v4.1: 48 of 1,613,746 alleles (0.003%); highest among the groups gnomAD compares: South Asian, 0.0055%; no homozygotes.

Submissions (3):

Labcorp Genetics (formerly Invitae), Labcorp
Classification: Uncertain significance. Last evaluated: 2026-01-23. Review status: criteria provided, single submitter. Criteria: Invitae Variant Classification Sherloc (09022015). Collection method: clinical testing. Allele origin: germline.
Comment: This sequence change replaces arginine, which is basic and polar, with tryptophan, which is neutral and slightly polar, at codon 322 of the SAG protein (p.Arg322Trp). This variant is present in population databases (rs377050409, gnomAD 0.006%). This variant has not been reported in the literature in individuals affected with SAG-related conditions. ClinVar contains an entry for this variant (Variation ID: 1444579). Invitae Evidence Modeling of protein sequence and biophysical properties (such as structural, functional, and spatial information, amino acid conservation, physicochemical variation, residue mobility, and thermodynamic stability) indicates that this missense variant is not expected to disrupt SAG protein function with a negative predictive value of 80%. In summary, the available evidence is currently insufficient to determine the role of this variant in disease. Therefore, it has been classified as a Variant of Uncertain Significance.

Blueprint Genetics
Classification: Uncertain significance. Last evaluated: 2024-04-17. Review status: criteria provided, single submitter. Criteria: ACMG Guidelines, 2015. Collection method: clinical testing. Allele origin: germline.

Ambry Genetics
Classification: Uncertain significance for Inborn genetic diseases. Last evaluated: 2023-10-13. Review status: criteria provided, single submitter. Criteria: Ambry Variant Classification Scheme 2023. Collection method: clinical testing. Allele origin: germline.

NM_000541.5(SAG):c.964C>T (p.Arg322Trp)

Gene: SAG (S-antigen visual arrestin; plus strand). Cytogenetic location: 2q37.1.
Variant type: single nucleotide variant.
Coding change: c.964C>T on transcript NM_000541.5 (MANE Select); coding-DNA position 964, C replaced by T.
Protein change: p.Arg322Trp; replaces arginine 322 with tryptophan.
Molecular consequence: missense variant.
Genome position (GRCh38, 1-based): chr2:233,338,695, C>T. VCF-style: chr2-233338695-C-T. GRCh37 (hg19) VCF-style: chr2-234247341-C-T.
Other names: c.964C>T (NM_000541.4); short protein forms R322W.
Identifiers: ClinVar variation 1444579 (VCV001444579.8), dbSNP rs377050409, ClinGen allele CA2174600.